The following is an entry in ClinVar:

ClinVar aggregate classification (germline): Uncertain significance. Review status: criteria provided, single submitter (1 of 4 stars). 2 submissions from 2 submitters: Uncertain significance (1). 1 of the submissions does not count toward it. Last evaluated 2023-09-26.

Conditions:
SEMA3G-related disorder. Also called: SEMA3G-related condition.

Allele frequency attached by ClinVar (database versions not stated): ExAC 0.00003.
gnomAD v4.1: 32 of 1,612,686 alleles (0.002%); highest among the groups gnomAD compares: Middle Eastern, 0.033%; no homozygotes.

Submissions (2):

Ambry Genetics
Classification: Uncertain significance. Last evaluated: 2023-09-26. Review status: criteria provided, single submitter. Criteria: Ambry Variant Classification Scheme 2023. Collection method: clinical testing. Allele origin: germline.

PreventionGenetics, part of Exact Sciences
Classification: Uncertain significance for SEMA3G-related condition. Last evaluated: 2024-07-11. Review status: no assertion criteria provided. Collection method: clinical testing. Allele origin: germline. Not counted in ClinVar's aggregate classification.
Comment: The SEMA3G c.811G>A variant is predicted to result in the amino acid substitution p.Val271Met. To our knowledge, this variant has not been reported in the literature. This variant is reported in 0.0055% of alleles in individuals of East Asian descent in gnomAD. At this time, the clinical significance of this variant is uncertain due to the absence of conclusive functional and genetic evidence.

NM_020163.3(SEMA3G):c.811G>A (p.Val271Met)

Gene: SEMA3G (semaphorin 3G; minus strand). Cytogenetic location: 3p21.1.
Variant type: single nucleotide variant.
Coding change: c.811G>A on transcript NM_020163.3 (MANE Select); coding-DNA position 811, G replaced by A.
Protein change: p.Val271Met; replaces valine 271 with methionine.
Molecular consequence: missense variant.
Genome position (GRCh38, 1-based): chr3:52,441,266, C>T on the plus strand (G>A on the coding strand, the complement: SEMA3G is on the minus strand). VCF-style: chr3-52441266-C-T. GRCh37 (hg19) VCF-style: chr3-52475282-C-T.
Other names: c.811G>A (NM_020163.2); short protein forms V271M.
Identifiers: ClinVar variation 3159757 (VCV003159757.2), dbSNP rs774643539, ClinGen allele CA2438207.